The following is an entry in ClinVar:

NM_001145809.2(MYH14):c.1405C>T (p.Arg469Trp)

Gene: MYH14 (myosin heavy chain 14; plus strand). Cytogenetic location: 19q13.33.
Variant type: single nucleotide variant.
Coding change: c.1405C>T on transcript NM_001145809.2 (MANE Select); coding-DNA position 1405, C replaced by T.
Protein change: p.Arg469Trp; replaces arginine 469 with tryptophan.
Molecular consequence: missense variant.
Genome position (GRCh38, 1-based): chr19:50,249,062, C>T. VCF-style: chr19-50249062-C-T. GRCh37 (hg19) VCF-style: chr19-50752319-C-T.
Other names: c.1405C>T, p.Arg469Trp (NM_001077186.2); c.1381C>T, p.Arg461Trp (NM_024729.4); short protein forms R469W, R461W.
Identifiers: ClinVar variation 4987440 (VCV004987440.1).

ClinVar aggregate classification (germline): Uncertain significance (1 of 4 stars; one submission).

Conditions:
MYH14-related disorder. Also called: MYH14-related condition.

gnomAD v4.1: 15 of 1,611,228 alleles (0.00093%); highest among the groups gnomAD compares: African/African-American, 0.0027%; no homozygotes.

Submission:

PreventionGenetics, part of Exact Sciences
Classification: Uncertain significance for MYH14-related condition. Last evaluated: 2026-02-17. Review status: criteria provided, single submitter. Criteria: ACMG Guidelines, 2015. Collection method: clinical testing. Allele origin: germline.
Comment: The MYH14 c.1405C>T variant is predicted to result in the amino acid substitution p.Arg469Trp. To our knowledge, this variant has not been reported in the literature. This variant is reported in 0.034% of alleles in individuals of East Asian descent in gnomAD. At this time, the clinical significance of this variant is uncertain due to the absence of conclusive functional and genetic evidence.